The following is an entry in ClinVar:

ClinVar aggregate classification (germline): Uncertain significance (1 of 4 stars; one submission).

Conditions:
Immunodeficiency. Identifiers: MedGen C0021051, MONDO:0021094, HP:0002721.

gnomAD v4.1: 2 of 1,614,116 alleles (0.00012%); highest among the groups gnomAD compares: Admixed American, 0.0017%; no homozygotes.

Submission:

Labcorp Genetics (formerly Invitae), Labcorp
Classification: Uncertain significance for Immunodeficiency. Last evaluated: 2025-11-19. Review status: criteria provided, single submitter. Criteria: Invitae Variant Classification Sherloc (09022015). Collection method: clinical testing. Allele origin: germline.
Comment: This sequence change replaces glutamine, which is neutral and polar, with proline, which is neutral and non-polar, at codon 1402 of the NFAT5 protein (p.Gln1402Pro). This variant is not present in population databases (gnomAD no frequency). This variant has not been reported in the literature in individuals affected with NFAT5-related conditions. An algorithm developed to predict the effect of missense changes on protein structure and function (PolyPhen-2) suggests that this variant is likely to be disruptive. In summary, the available evidence is currently insufficient to determine the role of this variant in disease. Therefore, it has been classified as a Variant of Uncertain Significance.

NM_138713.4(NFAT5):c.4487A>C (p.Gln1496Pro)

Gene: NFAT5 (nuclear factor of activated T cells 5; plus strand). Cytogenetic location: 16q22.1.
Variant type: single nucleotide variant.
Coding change: c.4487A>C on transcript NM_138713.4 (MANE Select); coding-DNA position 4487, A replaced by C.
Protein change: p.Gln1496Pro; replaces glutamine 1496 with proline.
Molecular consequence: missense variant.
Genome position (GRCh38, 1-based): chr16:69,695,208, A>C. VCF-style: chr16-69695208-A-C. GRCh37 (hg19) VCF-style: chr16-69729111-A-C.
Other names: c.4205A>C, p.Gln1402Pro (NM_138714.4, NM_173214.3, NM_173215.3); c.4484A>C, p.Gln1495Pro (NM_001113178.3); c.3812A>C, p.Gln1271Pro (NM_001367709.1); c.4433A>C, p.Gln1478Pro (NM_006599.4); short protein forms Q1271P, Q1478P, Q1495P, Q1402P, Q1496P.
Identifiers: ClinVar variation 4778938 (VCV004778938.1).